The following is an entry in ClinVar:

NM_001378452.1(ITPR1):c.996+2T>G

Gene: ITPR1 (inositol 1,4,5-trisphosphate receptor type 1; plus strand). Cytogenetic location: 3p26.1.
Variant type: single nucleotide variant.
Coding change: c.996+2T>G on transcript NM_001378452.1 (MANE Select); the canonical splice donor site of the intron after coding-DNA position 996, T replaced by G.
Molecular consequence: splice donor variant. On other transcripts: intron variant (2).
Genome position (GRCh38, 1-based): chr3:4,653,888, T>G. VCF-style: chr3-4653888-T-G. GRCh37 (hg19) VCF-style: chr3-4695572-T-G.
Other names: c.996+2T>G (NM_001099952.4); c.951+1670T>G (NM_001168272.2, NM_002222.7).
Identifiers: ClinVar variation 4527259 (VCV004527259.1).

ClinVar aggregate classification (germline): Uncertain significance (1 of 4 stars; one submission).

gnomAD v4.1: 1 of 1,606,448 alleles (0.000062%); highest among the groups gnomAD compares: Non-Finnish European, 0.000085%; no homozygotes.

Submission:

GeneDx
Classification: Uncertain significance. Last evaluated: 2025-04-22. Review status: criteria provided, single submitter. Criteria: GeneDx Variant Classification Process June 2021. Collection method: clinical testing. Allele origin: germline. Affected: yes.
Comment: Not observed at significant frequency in large population cohorts (gnomAD); Has not been previously published as pathogenic or benign to our knowledge; In silico analysis suggests this variant may impact gene splicing. In the absence of RNA/functional studies, the actual effect of this sequence change is unknown.; Reported using an alternate transcript of the gene